The following is an entry in ClinVar:

ClinVar aggregate classification (germline): Uncertain significance. Review status: criteria provided, multiple submitters, no conflicts (2 of 4 stars). 2 submissions from 2 submitters: Uncertain significance (2). Last evaluated 2021-10-09.

Conditions:
Hermansky-Pudlak syndrome 1 (HPS1). Also called: DELTA STORAGE POOL DISEASE. Identifiers: Orphanet 231500, Orphanet 79430, MedGen C2931875, MONDO:0008748, OMIM 203300.

Allele frequency attached by ClinVar (database versions not stated): gnomAD exomes 0.00001.

Submissions (2):

Labcorp Genetics (formerly Invitae), Labcorp
Classification: Uncertain significance. Last evaluated: 2021-10-09. Review status: criteria provided, single submitter. Criteria: Invitae Variant Classification Sherloc (09022015). Collection method: clinical testing. Allele origin: germline.
Comment: This sequence change replaces aspartic acid with glutamic acid at codon 233 of the HPS1 protein (p.Asp233Glu). The aspartic acid residue is moderately conserved and there is a small physicochemical difference between aspartic acid and glutamic acid. This variant is not present in population databases (ExAC no frequency). This variant has not been reported in the literature in individuals affected with HPS1-related conditions. Algorithms developed to predict the effect of missense changes on protein structure and function (SIFT, PolyPhen-2, Align-GVGD) all suggest that this variant is likely to be tolerated. In summary, the available evidence is currently insufficient to determine the role of this variant in disease. Therefore, it has been classified as a Variant of Uncertain Significance.

Fulgent Genetics
Classification: Uncertain significance for Hermansky-Pudlak syndrome 1. Last evaluated: 2021-08-24. Review status: criteria provided, single submitter. Criteria: ACMG Guidelines, 2015. Collection method: clinical testing. Allele origin: unknown.

NM_000195.5(HPS1):c.699C>A (p.Asp233Glu)

Gene: HPS1 (HPS1 biogenesis of lysosomal organelles complex 3 subunit 1; minus strand). Cytogenetic location: 10q24.2.
Variant type: single nucleotide variant.
Coding change: c.699C>A on transcript NM_000195.5 (MANE Select); coding-DNA position 699, C replaced by A.
Protein change: p.Asp233Glu; replaces aspartic acid 233 with glutamic acid.
Molecular consequence: missense variant. On other transcripts: 5 prime UTR variant (3).
Genome position (GRCh38, 1-based): chr10:98,430,640, G>T on the plus strand (C>A on the coding strand, the complement: HPS1 is on the minus strand). VCF-style: chr10-98430640-G-T. GRCh37 (hg19) VCF-style: chr10-100190397-G-T.
Other names: c.-175C>A (NM_001311345.2, NM_001322489.2); c.699C>A, p.Asp233Glu (NM_001322476.2, NM_001322477.2, NM_001322478.2 and 3 more transcripts); c.438C>A, p.Asp146Glu (NM_001322480.2, NM_001322481.2, NM_001322482.2); c.330C>A, p.Asp110Glu (NM_001322483.2, NM_001322484.2, NM_001322485.2); c.-274C>A (NM_001322487.2); c.581C>A, p.Thr194Asn (NM_001322490.2, NM_001322492.2); short protein forms D110E, D146E, T194N, D233E.
Identifiers: ClinVar variation 1507519 (VCV001507519.4), dbSNP rs1450596874, ClinGen allele CA378052147.